The following is an entry in ClinVar:

NM_006421.5(ARFGEF1):c.1645A>T (p.Ile549Phe)

Gene: ARFGEF1 (ARF guanine nucleotide exchange factor 1; minus strand). Cytogenetic location: 8q13.2.
Variant type: single nucleotide variant.
Coding change: c.1645A>T on transcript NM_006421.5 (MANE Select); coding-DNA position 1645, A replaced by T.
Protein change: p.Ile549Phe; replaces isoleucine 549 with phenylalanine.
Molecular consequence: missense variant. On other transcripts: non-coding transcript variant (1).
Genome position (GRCh38, 1-based): chr8:67,267,370, T>A on the plus strand (A>T on the coding strand, the complement: ARFGEF1 is on the minus strand). VCF-style: chr8-67267370-T-A. GRCh37 (hg19) VCF-style: chr8-68179605-T-A.
Other names: c.1645A>T, p.Ile549Phe (NM_001413184.1, NM_001413185.1, NM_001413186.1 and 7 more transcripts); c.1045A>T, p.Ile349Phe (NM_001413188.1, NM_001413193.1, NM_001413197.1); c.220A>T, p.Ile74Phe (NM_001413196.1); short protein forms I349F, I549F, I74F.
Identifiers: ClinVar variation 3389514 (VCV003389514.14).

ClinVar aggregate classification (germline): Uncertain significance (1 of 4 stars; one submission).

Submission:

CeGaT Center for Human Genetics Tuebingen
Classification: Uncertain significance. Last evaluated: 2024-10-01. Review status: criteria provided, single submitter. Criteria: CeGaT Center For Human Genetics Tuebingen Variant Classification Criteria Version 2. Collection method: clinical testing. Allele origin: germline. Affected: yes. Observed: 1 variant allele.
Comment: ARFGEF1: PM2, PP2